The following is an entry in ClinVar:

NM_002691.4(POLD1):c.1024_1034del (p.Leu342fs)

Gene: POLD1 (DNA polymerase delta 1, catalytic subunit; plus strand). Cytogenetic location: 19q13.33.
Variant type: Deletion.
Coding change: c.1024_1034del on transcript NM_002691.4 (MANE Select); coding-DNA positions 1024 to 1034, 11 bases deleted (CTGCGCTGGGG).
Protein change: p.Leu342fs; shifts the reading frame from leucine 342.
Molecular consequence: frameshift variant. On other transcripts: non-coding transcript variant (1).
Genome position (GRCh38, 1-based): chr19:50,403,106-50,403,116, CTGCGCTGGGG deleted. VCF-style (leftmost placement, unchanged base first): chr19-50403105-CCTGCGCTGGGG-C. GRCh37 (hg19) VCF-style: chr19-50906362-CCTGCGCTGGGG-C.
Other names: c.1024_1034del, p.Leu342fs (NM_001256849.1, NM_001308632.1); short protein forms L342fs.
Identifiers: ClinVar variation 1349802 (VCV001349802.6), dbSNP rs2122269006, ClinGen allele CA2573156567.

ClinVar aggregate classification (germline): Uncertain significance (1 of 4 stars; one submission).

Conditions:
POLD1-related polyposis and colorectal cancer syndrome (CRCS10). Also called: Colorectal cancer, susceptibility to, 10; Colorectal cancer 10; COLORECTAL CANCER, SUSCEPTIBILITY TO, ON CHROMOSOME 19q. Identifiers: Orphanet 220460, MedGen C2675481, MONDO:0012953, OMIM 612591.

Submission:

Labcorp Genetics (formerly Invitae), Labcorp
Classification: Uncertain significance for POLD1-related polyposis and colorectal cancer syndrome. Last evaluated: 2021-11-08. Review status: criteria provided, single submitter. Criteria: Invitae Variant Classification Sherloc (09022015). Collection method: clinical testing. Allele origin: germline.
Comment: This sequence change creates a premature translational stop signal (p.Leu342Glyfs*289) in the POLD1 gene. Missense variants that disrupt the 3'-5' exonuclease (proof-reading) activity of the POLD1 protein are associated with an increased risk for colonic adenomatous polyps and colon cancer (PMID: 23263490, 23447401). However, loss-of-function variants that result in an absent or severely disrupted POLD1 protein, and missense variants outside the exonuclease domain, are unlikely to be associated with polyposis or colon cancer. This variant is not present in population databases (gnomAD no frequency). This variant has not been reported in the literature in individuals affected with POLD1-related conditions. In summary, the available evidence is currently insufficient to determine the role of this variant in disease. Therefore, it has been classified as a Variant of Uncertain Significance.

Literature cited by the submitters: PubMed 23263490; PubMed 23447401.